The following is an entry in ClinVar:

NM_005188.4(CBL):c.2291C>G (p.Pro764Arg)

Gene: CBL (Cbl proto-oncogene; plus strand). Cytogenetic location: 11q23.3.
Variant type: single nucleotide variant.
Coding change: c.2291C>G on transcript NM_005188.4 (MANE Select); coding-DNA position 2291, C replaced by G.
Protein change: p.Pro764Arg; replaces proline 764 with arginine.
Molecular consequence: missense variant.
Genome position (GRCh38, 1-based): chr11:119,298,397, C>G. VCF-style: chr11-119298397-C-G. GRCh37 (hg19) VCF-style: chr11-119169107-C-G.
Other names: c.2291C>G (NM_005188.2); short protein forms P764R.
Identifiers: ClinVar variation 2761411 (VCV002761411.4), dbSNP rs1950077854, ClinGen allele CA382929160.

ClinVar aggregate classification (germline): Uncertain significance. Review status: criteria provided, multiple submitters, no conflicts (2 of 4 stars). 2 submissions from 2 submitters: Uncertain significance (2). Last evaluated 2025-06-15.

Conditions:
Cardiovascular phenotype. Identifiers: MedGen CN230736.
RASopathy. Also called: rasopathies; Noonan spectrum disorder. Identifiers: Orphanet 536391, MedGen C5555857, MONDO:0021060.

Allele frequency attached by ClinVar (database versions not stated): TOPMed below 0.00001.

Submissions (2):

Ambry Genetics
Classification: Uncertain significance for Cardiovascular phenotype. Last evaluated: 2025-06-15. Review status: criteria provided, single submitter. Criteria: Ambry Variant Classification Scheme 2023. Collection method: clinical testing. Allele origin: germline.
Comment: The p.P764R variant (also known as c.2291C>G), located in coding exon 15 of the CBL gene, results from a C to G substitution at nucleotide position 2291. The proline at codon 764 is replaced by arginine, an amino acid with dissimilar properties. This amino acid position is conserved. In addition, this alteration is predicted to be tolerated by in silico analysis. Based on the available evidence, the clinical significance of this variant remains unclear.

Labcorp Genetics (formerly Invitae), Labcorp
Classification: Uncertain significance for RASopathy. Last evaluated: 2024-06-03. Review status: criteria provided, single submitter. Criteria: Invitae Variant Classification Sherloc (09022015). Collection method: clinical testing. Allele origin: germline.
Comment: This sequence change replaces proline, which is neutral and non-polar, with arginine, which is basic and polar, at codon 764 of the CBL protein (p.Pro764Arg). This variant is not present in population databases (gnomAD no frequency). This variant has not been reported in the literature in individuals affected with CBL-related conditions. Advanced modeling of protein sequence and biophysical properties (such as structural, functional, and spatial information, amino acid conservation, physicochemical variation, residue mobility, and thermodynamic stability) performed at Invitae indicates that this missense variant is not expected to disrupt CBL protein function with a negative predictive value of 95%. In summary, the available evidence is currently insufficient to determine the role of this variant in disease. Therefore, it has been classified as a Variant of Uncertain Significance.